The following is an entry in ClinVar:

NM_002890.3(RASA1):c.1835C>T (p.Thr612Ile)

Genes: CCNH (cyclin H; minus strand), RASA1 (RAS p21 protein activator 1; plus strand). Cytogenetic location: 5q14.3.
Variant type: single nucleotide variant.
Coding change: c.1835C>T on transcript NM_002890.3 (MANE Select); coding-DNA position 1835, C replaced by T.
Protein change: p.Thr612Ile; replaces threonine 612 with isoleucine.
Molecular consequence: missense variant. On other transcripts: intron variant (1).
Genome position (GRCh38, 1-based): chr5:87,374,221, C>T. VCF-style: chr5-87374221-C-T. GRCh37 (hg19) VCF-style: chr5-86670038-C-T.
Other names: c.1304C>T, p.Thr435Ile (NM_022650.3); c.933+20823G>A (NM_001364075.2); short protein forms T435I, T612I.
Identifiers: ClinVar variation 2039698 (VCV002039698.5), dbSNP rs1474653512, ClinGen allele CA360374244.
Genomic context (GRCh38, chr5:87,374,221, plus strand): 5'-AGGTCAGCAGCCTTGTTTTACATATTGAAGAAGCCCATAAACTCCCAGTAAAACATTTTA[C>T]TAATCCATATTGTAACATCTACCTGAATAGTGTCCAAGTAGCAAAAACTCATGCAAGGGA-3'
Protein context (NP_002881.1, residues 602-622): EAHKLPVKHF[Thr612Ile]NPYCNIYLNS

ClinVar aggregate classification (germline): Uncertain significance. Review status: criteria provided, multiple submitters, no conflicts (2 of 4 stars). 2 submissions from 2 submitters: Uncertain significance (2). Last evaluated 2025-09-15.

Conditions:
Cardiovascular phenotype. Identifiers: MedGen CN230736.
Capillary malformation-arteriovenous malformation syndrome. Also called: Capillary malformation-arteriovenous malformation. Identifiers: Orphanet 137667, MedGen C1842180, MONDO:0012016.

Allele frequency attached by ClinVar (database versions not stated): gnomAD 0.00001.
gnomAD v4.1: 2 of 1,584,564 alleles (0.00013%); highest among the groups gnomAD compares: East Asian, 0.0023%; no homozygotes.

Submissions (2):

Labcorp Genetics (formerly Invitae), Labcorp
Classification: Uncertain significance for Capillary malformation-arteriovenous malformation syndrome. Last evaluated: 2025-09-15. Review status: criteria provided, single submitter. Criteria: Invitae Variant Classification Sherloc (09022015). Collection method: clinical testing. Allele origin: germline.
Comment: This sequence change replaces threonine, which is neutral and polar, with isoleucine, which is neutral and non-polar, at codon 612 of the RASA1 protein (p.Thr612Ile). This variant is present in population databases (no rsID available, gnomAD 0.06%). This variant has not been reported in the literature in individuals affected with RASA1-related conditions. ClinVar contains an entry for this variant (Variation ID: 2039698). An algorithm developed to predict the effect of missense changes on protein structure and function (PolyPhen-2) suggests that this variant is likely to be disruptive. In summary, the available evidence is currently insufficient to determine the role of this variant in disease. Therefore, it has been classified as a Variant of Uncertain Significance.

Ambry Genetics
Classification: Uncertain significance for Cardiovascular phenotype. Last evaluated: 2025-06-10. Review status: criteria provided, single submitter. Criteria: Ambry Variant Classification Scheme 2023. Collection method: clinical testing. Allele origin: germline.
Comment: The p.T612I variant (also known as c.1835C>T), located in coding exon 14 of the RASA1 gene, results from a C to T substitution at nucleotide position 1835. The threonine at codon 612 is replaced by isoleucine, an amino acid with similar properties. This amino acid position is conserved. In addition, the in silico prediction for this alteration is inconclusive. Based on the available evidence, the clinical significance of this variant remains unclear.